The following is an entry in ClinVar:

ClinVar aggregate classification (germline): Benign. Review status: criteria provided, multiple submitters, no conflicts (2 of 4 stars). 3 submissions from 3 submitters: Benign (3). Last evaluated 2021-05-11.

Conditions:
Deficiency of steroid 11-beta-monooxygenase (CYP11B1). Also called: ADRENAL HYPERPLASIA, CONGENITAL, DUE TO STEROID 11-BETA-HYDROXYLASE DEFICIENCY; Congenital adrenal hyperplasia due to 11-beta-hydroxylase deficiency; ADRENAL HYPERPLASIA IV; P450C11B1 DEFICIENCY; 11-BETA-HYDROXYLASE DEFICIENCY; STEROID 11-BETA-HYDROXYLASE DEFICIENCY. Identifiers: Orphanet 90795, MedGen C0268292, MONDO:0008729, OMIM 202010. Disease mechanism: loss of function.

Allele frequency attached by ClinVar (database versions not stated): gnomAD exomes 0.09427 and 0.11749; 1000 Genomes Project 30x 0.13460; gnomAD 0.13640 and 0.14096; TOPMed 0.14013; 1000 Genomes Project 0.17073; ExAC 0.18125.
gnomAD v4.1: 146,322 of 1,488,076 alleles (9.8%); highest among the groups gnomAD compares: African/African-American, 29%; 8,420 homozygotes.

Submissions (3):

GeneDx
Classification: Benign. Last evaluated: 2021-05-11. Review status: criteria provided, single submitter. Criteria: GeneDx Variant Classification Process June 2021. Collection method: clinical testing. Allele origin: germline. Affected: yes.

Department of Human Genetics, Laborarztpraxis Dres. Walther, Weindel und Kollegen
Classification: Benign for Deficiency of steroid 11-beta-monooxygenase. Last evaluated: 2020-04-20. Review status: criteria provided, single submitter. Criteria: ACMG Guidelines, 2015. Collection method: clinical testing. Allele origin: germline. Affected: yes.
Comment: This variant is classified as benign because the population frequency is too high to be a pathogenic mutation (>= 5%).

Breakthrough Genomics
Classification: Benign. Review status: criteria provided, single submitter. Criteria: ACMG Guidelines, 2015. Collection method: not provided. Allele origin: germline. Inheritance: Autosomal recessive inheritance. Affected: yes.

NM_000497.4(CYP11B1):c.596-41C>T

Genes: CYP11B1 (cytochrome P450 family 11 subfamily B member 1; minus strand), LOC106799833 (CYP11B1 recombination region; plus strand). Cytogenetic location: 8q24.3.
Variant type: single nucleotide variant.
Coding change: c.596-41C>T on transcript NM_000497.4 (MANE Select); 41 bases into the intron before coding-DNA position 596, C replaced by T.
Molecular consequence: intron variant.
Genome position (GRCh38, 1-based): chr8:142,876,926, G>A on the plus strand (C>T on the coding strand, the complement: CYP11B1 is on the minus strand). VCF-style: chr8-142876926-G-A. GRCh37 (hg19) VCF-style: chr8-143958342-G-A.
Other names: c.596-41C>T (NM_001026213.1).
Identifiers: ClinVar variation 973508 (VCV000973508.4), dbSNP rs113759408, ClinGen allele CA4905376.
Genomic context (GRCh38, chr8:142,876,926, plus strand): 5'-AAAAAGAGCCAAGTTGCTGGCTGCGGGGAGGATGCACTGCTGAGCACAAGGCAGCCCCGG[G>A]CCTCCTGGCTGCCTCCCCACACTCCCTTCAGTCCCCCATCCCCGTCCCTGGCCACTCCAG-3'